The following is an entry in ClinVar:

NM_015338.6(ASXL1):c.4187T>C (p.Val1396Ala)

Gene: ASXL1 (ASXL transcriptional regulator 1; plus strand). Cytogenetic location: 20q11.21.
Variant type: single nucleotide variant.
Coding change: c.4187T>C on transcript NM_015338.6 (MANE Select); coding-DNA position 4187, T replaced by C.
Protein change: p.Val1396Ala; replaces valine 1396 with alanine.
Molecular consequence: missense variant.
Genome position (GRCh38, 1-based): chr20:32,436,899, T>C. VCF-style: chr20-32436899-T-C. GRCh37 (hg19) VCF-style: chr20-31024702-T-C.
Other names: c.4004T>C, p.Val1335Ala (NM_001363734.1); short protein forms V1335A, V1396A.
Identifiers: ClinVar variation 4687470 (VCV004687470.2).

ClinVar aggregate classification (germline): Uncertain significance. Review status: criteria provided, multiple submitters, no conflicts (2 of 4 stars). 2 submissions from 2 submitters: Uncertain significance (2). Last evaluated 2026-01-03.

Conditions:
Inborn genetic diseases. Identifiers: MedGen C0950123, MeSH D030342.

Submissions (2):

Ambry Genetics
Classification: Uncertain significance for Inborn genetic diseases. Last evaluated: 2026-01-03. Review status: criteria provided, single submitter. Criteria: Ambry Variant Classification Scheme 2023. Collection method: clinical testing. Allele origin: germline.
Comment: The p.V1396A variant (also known as c.4187T>C), located in coding exon 13 of the ASXL1 gene, results from a T to C substitution at nucleotide position 4187. The valine at codon 1396 is replaced by alanine, an amino acid with similar properties. This amino acid position is conserved. In addition, this alteration is predicted to be tolerated by in silico analysis. Based on the available evidence, the clinical significance of this variant remains unclear.

Women's Health and Genetics/Laboratory Corporation of America, LabCorp
Classification: Uncertain significance. Last evaluated: 2025-10-08. Review status: criteria provided, single submitter. Criteria: LabCorp Variant Classification Summary - May 2015. Collection method: clinical testing. Allele origin: germline.
Comment: Variant summary: ASXL1 c.4187T>C (p.Val1396Ala) results in a non-conservative amino acid change in the encoded protein sequence. Algorithms developed to predict the effect of missense changes on protein structure and function are either unavailable or do not agree on the potential impact of this missense change. The variant was absent in 251450 control chromosomes. The available data on variant occurrences in the general population are insufficient to allow any conclusion about variant significance. To our knowledge, no occurrence of c.4187T>C in individuals affected with ASXL1-related conditions and no experimental evidence demonstrating its impact on protein function have been reported. No submitters have cited clinical-significance assessments for this variant to ClinVar. Based on the evidence outlined above, the variant was classified as uncertain significance.